The following is an entry in ClinVar:

ClinVar aggregate classification (germline): Uncertain significance (1 of 4 stars; one submission).

Conditions:
Ullrich congenital muscular dystrophy 2 (UCMD2). Identifiers: Orphanet 75840, MedGen C4225314, MONDO:0014654, OMIM 616470.
Bethlem myopathy 2 (BTHLM2). Identifiers: Orphanet 536516, Orphanet 610, MedGen C4225313, MONDO:0034022, OMIM 616471.

Allele frequency attached by ClinVar (database versions not stated): gnomAD exomes below 0.00001; TOPMed below 0.00001.
gnomAD v4.1: 2 of 1,613,942 alleles (0.00012%); highest among the groups gnomAD compares: Non-Finnish European, 0.00017%; no homozygotes.

Submission:

Labcorp Genetics (formerly Invitae), Labcorp
Classification: Uncertain significance for Bethlem myopathy 2; Ullrich congenital muscular dystrophy 2. Last evaluated: 2023-10-19. Review status: criteria provided, single submitter. Criteria: Invitae Variant Classification Sherloc (09022015). Collection method: clinical testing. Allele origin: germline.
Comment: This sequence change replaces tyrosine, which is neutral and polar, with histidine, which is basic and polar, at codon 979 of the COL12A1 protein (p.Tyr979His). This variant is not present in population databases (gnomAD no frequency). This variant has not been reported in the literature in individuals affected with COL12A1-related conditions. Advanced modeling of protein sequence and biophysical properties (such as structural, functional, and spatial information, amino acid conservation, physicochemical variation, residue mobility, and thermodynamic stability) performed at Invitae indicates that this missense variant is not expected to disrupt COL12A1 protein function. In summary, the available evidence is currently insufficient to determine the role of this variant in disease. Therefore, it has been classified as a Variant of Uncertain Significance.

NM_004370.6(COL12A1):c.2935T>C (p.Tyr979His)

Gene: COL12A1 (collagen type XII alpha 1 chain; minus strand). Cytogenetic location: 6q13.
Variant type: single nucleotide variant.
Coding change: c.2935T>C on transcript NM_004370.6 (MANE Select); coding-DNA position 2935, T replaced by C.
Protein change: p.Tyr979His; replaces tyrosine 979 with histidine.
Molecular consequence: missense variant. On other transcripts: intron variant (2).
Genome position (GRCh38, 1-based): chr6:75,165,555, A>G on the plus strand (T>C on the coding strand, the complement: COL12A1 is on the minus strand). VCF-style: chr6-75165555-A-G. GRCh37 (hg19) VCF-style: chr6-75875271-A-G.
Other names: c.2935T>C, p.Tyr979His (NM_001424113.1, NM_001424114.1); c.2662T>C, p.Tyr888His (NM_001424115.1); c.74-13073T>C (NM_001424116.1, NM_080645.3); short protein forms Y888H, Y979H.
Identifiers: ClinVar variation 2953076 (VCV002953076.3), dbSNP rs1768251138, ClinGen allele CA364757611.